The following is an entry in ClinVar:

ClinVar aggregate classification (germline): Benign/Likely benign. Review status: criteria provided, multiple submitters, no conflicts (2 of 4 stars). 8 submissions from 7 submitters: Benign (6); Likely benign (1). 1 of the submissions does not count toward it. Last evaluated 2026-02-04.

Conditions:
Disorders of Intracellular Cobalamin Metabolism. Identifiers: MedGen CN043592.
Methylmalonic aciduria and homocystinuria type cblD (MAHCD). Also called: Methylmalonic aciduria with homocystinuria cblD type; METHYLMALONIC ACIDEMIA, cblH TYPE. Identifiers: Orphanet 622, Orphanet 79283, MedGen C1848552, MONDO:0010185, OMIM 277410.

Allele frequency attached by ClinVar (database versions not stated): gnomAD exomes 0.00259; gnomAD 0.01066 and 0.00986; 1000 Genomes Project 0.01078; ExAC 0.00316; TOPMed 0.01119; ESP Exome Variant Server 0.01153; 1000 Genomes Project 30x 0.01171.
gnomAD v4.1: 3,069 of 1,613,632 alleles (0.19%); highest among the groups gnomAD compares: African/African-American, 3.5%; 59 homozygotes.

Submissions (8):

Labcorp Genetics (formerly Invitae), Labcorp
Classification: Benign for Methylmalonic aciduria and homocystinuria type cblD. Last evaluated: 2026-02-04. Review status: criteria provided, single submitter. Criteria: Invitae Variant Classification Sherloc (09022015). Collection method: clinical testing. Allele origin: germline.

Mayo Clinic Laboratories, Mayo Clinic
Classification: Likely benign. Last evaluated: 2024-11-14. Review status: criteria provided, single submitter. Criteria: ACMG Guidelines, 2015. Collection method: clinical testing. Allele origin: germline. Observed: 1 variant allele.
Comment: BA1, BS2, BP4

ARUP Laboratories, Molecular Genetics and Genomics, ARUP Laboratories
Classification: Benign. Last evaluated: 2023-11-29. Review status: criteria provided, single submitter. Criteria: ARUP Molecular Germline Variant Investigation Process 2024. Collection method: clinical testing. Allele origin: germline.

Illumina Laboratory Services, Illumina
Classification: Benign for Disorders of Intracellular Cobalamin Metabolism. Last evaluated: 2018-01-13. Review status: criteria provided, single submitter. Criteria: ICSL Variant Classification Criteria 13 December 2019. Collection method: clinical testing. Allele origin: germline.
Comment: This variant was observed in the ICSL laboratory as part of a predisposition screen in an ostensibly healthy population. It had not been previously curated by ICSL or reported in the Human Gene Mutation Database (HGMD: prior to June 1st, 2018), and was therefore a candidate for classification through an automated scoring system. Utilizing variant allele frequency, disease prevalence and penetrance estimates, and inheritance mode, an automated score was calculated to assess if this variant is too frequent to cause the disease. Based on the score and internal cut-off values, a variant classified as benign is not then subjected to further curation. The score for this variant resulted in a classification of benign for this disease.

Illumina Laboratory Services, Illumina
Classification: Benign for Methylmalonic aciduria and homocystinuria type cblD. Last evaluated: 2018-01-13. Review status: criteria provided, single submitter. Criteria: ICSL Variant Classification Criteria 13 December 2019. Collection method: clinical testing. Allele origin: germline.
Comment: the same text as in the submission from Illumina Laboratory Services, Illumina above.

GeneDx
Classification: Benign. Last evaluated: 2016-04-03. Review status: criteria provided, single submitter. Criteria: GeneDx Variant Classification (06012015). Collection method: clinical testing. Allele origin: germline. Affected: yes.
Comment: This variant is considered likely benign or benign based on one or more of the following criteria: it is a conservative change, it occurs at a poorly conserved position in the protein, it is predicted to be benign by multiple in silico algorithms, and/or has population frequency not consistent with disease.

Breakthrough Genomics
Classification: Benign. Review status: criteria provided, single submitter. Criteria: ACMG Guidelines, 2015. Collection method: not provided. Allele origin: germline. Inheritance: Autosomal recessive inheritance. Affected: yes.

Natera, Inc.
Classification: Benign for Methylmalonic aciduria with homocystinuria cblD type. Last evaluated: 2020-09-16. Review status: no assertion criteria provided. Collection method: clinical testing. Allele origin: germline. Not counted in ClinVar's aggregate classification.

NM_015702.3(MMADHC):c.428G>T (p.Ser143Ile)

Gene: MMADHC (metabolism of cobalamin associated D; minus strand). Cytogenetic location: 2q23.2.
Variant type: single nucleotide variant.
Coding change: c.428G>T on transcript NM_015702.3 (MANE Select); coding-DNA position 428, G replaced by T.
Protein change: p.Ser143Ile; replaces serine 143 with isoleucine.
Molecular consequence: missense variant.
Genome position (GRCh38, 1-based): chr2:149,576,487, C>A on the plus strand (G>T on the coding strand, the complement: MMADHC is on the minus strand). VCF-style: chr2-149576487-C-A. GRCh37 (hg19) VCF-style: chr2-150433001-C-A.
Other names: p.Ser143Ile; short protein forms S143I.
Identifiers: ClinVar variation 331379 (VCV000331379.18), dbSNP rs34886916, ClinGen allele CA1902408.